The following is an entry in ClinVar:

ClinVar aggregate classification (germline): Uncertain significance. Review status: criteria provided, multiple submitters, no conflicts (2 of 4 stars). 3 submissions from 3 submitters: Uncertain significance (3). Last evaluated 2025-08-14.

Conditions:
Autosomal recessive limb-girdle muscular dystrophy. Identifiers: Orphanet 102015, MedGen C2931907, MONDO:0015152.
Neuromuscular disease caused by qualitative or quantitative defects of dysferlin. Also called: Qualitative or quantitative defects of dysferlin; Dysferlinopathy. Identifiers: Orphanet 207073, MedGen C2931687, MONDO:0016145.

gnomAD v4.1: 13 of 1,614,098 alleles (0.00081%); highest among the groups gnomAD compares: Admixed American, 0.0017%; 1 homozygote.

Submissions (3):

Myriad Genetics, Inc.
Classification: Uncertain significance for Autosomal recessive limb-girdle muscular dystrophy. Last evaluated: 2025-08-14. Review status: criteria provided, single submitter. Criteria: Myriad Autosomal Dominant, Autosomal Recessive and X-Linked Classification Criteria (2023). Collection method: clinical testing. Allele origin: unknown.
Comment: NM_003494.3(DYSF):c.4704C>A(H1568Q) is a missense variant classified as a variant of uncertain significance in the context of dysferlinopathy. H1568Q has been observed in a case with relevant disease (PMID: 39678382). Relevant functional assessments of this variant are not available in the literature. H1568Q has not been observed in referenced population frequency databases. In summary, there is insufficient evidence to classify NM_003494.3(DYSF):c.4704C>A(H1568Q) as pathogenic or benign. Please note: this variant was assessed in the context of healthy population screening.

Labcorp Genetics (formerly Invitae), Labcorp
Classification: Uncertain significance for Neuromuscular disease caused by qualitative or quantitative defects of dysferlin. Last evaluated: 2022-06-20. Review status: criteria provided, single submitter. Criteria: Invitae Variant Classification Sherloc (09022015). Collection method: clinical testing. Allele origin: germline.
Comment: This sequence change replaces histidine, which is basic and polar, with glutamine, which is neutral and polar, at codon 1568 of the DYSF protein (p.His1568Gln). This variant is not present in population databases (gnomAD no frequency). This variant has not been reported in the literature in individuals affected with DYSF-related conditions. Advanced modeling of protein sequence and biophysical properties (such as structural, functional, and spatial information, amino acid conservation, physicochemical variation, residue mobility, and thermodynamic stability) performed at Invitae indicates that this missense variant is not expected to disrupt DYSF protein function. In summary, the available evidence is currently insufficient to determine the role of this variant in disease. Therefore, it has been classified as a Variant of Uncertain Significance.

Breakthrough Genomics
Classification: Uncertain significance. Review status: criteria provided, single submitter. Criteria: ACMG Guidelines, 2015. Collection method: not provided. Allele origin: germline. Inheritance: Autosomal recessive inheritance. Affected: yes.

Literature cited by the submitters: PubMed 39678382 (cited by Myriad Genetics, Inc.).

NM_001130987.2(DYSF):c.4821C>A (p.His1607Gln)

Gene: DYSF (dysferlin; plus strand). Cytogenetic location: 2p13.2.
Variant type: single nucleotide variant.
Coding change: c.4821C>A on transcript NM_001130987.2 (MANE Select); coding-DNA position 4821, C replaced by A.
Protein change: p.His1607Gln; replaces histidine 1607 with glutamine.
Molecular consequence: missense variant.
Genome position (GRCh38, 1-based): chr2:71,658,943, C>A. VCF-style: chr2-71658943-C-A. GRCh37 (hg19) VCF-style: chr2-71886073-C-A.
Other names: c.4707C>A, p.His1569Gln (NM_001130455.2); c.4662C>A, p.His1554Gln (NM_001130976.2); c.4725C>A, p.His1575Gln (NM_001130977.2); c.4767C>A, p.His1589Gln (NM_001130978.2); c.4797C>A, p.His1599Gln (NM_001130979.2); c.4755C>A, p.His1585Gln (NM_001130980.2); c.4818C>A, p.His1606Gln (NM_001130981.2); c.4800C>A, p.His1600Gln (NM_001130982.2); and 5 more; short protein forms H1569Q, H1586Q, H1590Q, H1599Q, H1554Q, H1575Q, H1585Q, H1600Q.
Identifiers: ClinVar variation 2154010 (VCV002154010.3), dbSNP rs771742780, ClinGen allele CA347219733.